The following is an entry in ClinVar:

ClinVar aggregate classification (germline): Uncertain significance. Review status: criteria provided, multiple submitters, no conflicts (2 of 4 stars). 2 submissions from 2 submitters: Uncertain significance (2). Last evaluated 2022-08-10.

Conditions:
Inborn genetic diseases. Identifiers: MedGen C0950123, MeSH D030342.

Allele frequency attached by ClinVar (database versions not stated): gnomAD 0.00001; TOPMed 0.00004; ExAC 0.00007.
gnomAD v4.1: 30 of 1,613,942 alleles (0.0019%); highest among the groups gnomAD compares: Admixed American, 0.028%; no homozygotes.

Submissions (2):

Labcorp Genetics (formerly Invitae), Labcorp
Classification: Uncertain significance. Last evaluated: 2022-08-10. Review status: criteria provided, single submitter. Criteria: Invitae Variant Classification Sherloc (09022015). Collection method: clinical testing. Allele origin: germline.
Comment: This sequence change replaces proline, which is neutral and non-polar, with leucine, which is neutral and non-polar, at codon 221 of the PISD protein (p.Pro221Leu). This variant is present in population databases (rs754079183, gnomAD 0.05%). This variant has not been reported in the literature in individuals affected with PISD-related conditions. Algorithms developed to predict the effect of missense changes on protein structure and function are either unavailable or do not agree on the potential impact of this missense change (SIFT: "Not Available"; PolyPhen-2: "Probably Damaging"; Align-GVGD: "Not Available"). In summary, the available evidence is currently insufficient to determine the role of this variant in disease. Therefore, it has been classified as a Variant of Uncertain Significance.

Ambry Genetics
Classification: Uncertain significance for Inborn genetic diseases. Last evaluated: 2021-06-22. Review status: criteria provided, single submitter. Criteria: Ambry Variant Classification Scheme 2023. Collection method: clinical testing. Allele origin: germline.

NM_001326411.2(PISD):c.662C>T (p.Pro221Leu)

Gene: PISD (phosphatidylserine decarboxylase; minus strand). Cytogenetic location: 22q12.2.
Variant type: single nucleotide variant.
Coding change: c.662C>T on transcript NM_001326411.2 (MANE Select); coding-DNA position 662, C replaced by T.
Protein change: p.Pro221Leu; replaces proline 221 with leucine.
Molecular consequence: missense variant.
Genome position (GRCh38, 1-based): chr22:31,621,369, G>A on the plus strand (C>T on the coding strand, the complement: PISD is on the minus strand). VCF-style: chr22-31621369-G-A. GRCh37 (hg19) VCF-style: chr22-32017355-G-A.
Other names: c.599C>T, p.Pro200Leu (NM_001326412.1, NM_001326413.2, NM_001326414.2); c.560C>T, p.Pro187Leu (NM_001326415.2, NM_001326416.2, NM_001326417.2 and 3 more transcripts); c.482C>T, p.Pro161Leu (NM_001326418.2, NM_001326420.2); c.662C>T, p.Pro221Leu (NM_001326421.1); short protein forms P200L, P161L, P187L, P221L.
Identifiers: ClinVar variation 2080712 (VCV002080712.5), dbSNP rs754079183, ClinGen allele CA10194711.
Genomic context (GRCh38, chr22:31,621,369, plus strand): 5'-TAGCCCCGCCTGTGCAGTGACCCACCTGGTGGGAAGGGCAGGTCCTCTGTGCACATACGC[G>A]GGCCCAGGAACGACTCCAGGGAGTAGGTGACCCCCTTTACCTGCTCCACCTCACAGTTCT-3'
Protein context (NP_001313340.1, residues 211-231): VTYSLESFLG[Pro221Leu]RMCTEDLPFP